The following is an entry in ClinVar:

ClinVar aggregate classification (germline): Uncertain significance. Review status: criteria provided, multiple submitters, no conflicts (2 of 4 stars). 2 submissions from 2 submitters: Uncertain significance (2). Last evaluated 2025-03-10.

Conditions:
Hereditary cancer-predisposing syndrome. Also called: Tumor predisposition; Neoplastic Syndromes, Hereditary; Hereditary Cancer Syndrome; Hereditary neoplastic syndrome. Identifiers: Orphanet 140162, MedGen C0027672, MeSH D009386, MONDO:0015356.
Tuberous sclerosis 2 (TSC2). Identifiers: Orphanet 805, MedGen C1860707, MONDO:0013199, OMIM 613254.

Allele frequency attached by ClinVar (database versions not stated): gnomAD exomes below 0.00001.
gnomAD v4.1: 3 of 1,605,198 alleles (0.00019%); highest among the groups gnomAD compares: South Asian, 0.0011%; no homozygotes.

Submissions (2):

Labcorp Genetics (formerly Invitae), Labcorp
Classification: Uncertain significance for Tuberous sclerosis 2. Last evaluated: 2025-03-10. Review status: criteria provided, single submitter. Criteria: Invitae Variant Classification Sherloc (09022015). Collection method: clinical testing. Allele origin: germline.
Comment: This sequence change replaces lysine, which is basic and polar, with arginine, which is basic and polar, at codon 657 of the TSC2 protein (p.Lys657Arg). This variant is not present in population databases (gnomAD no frequency). This variant has not been reported in the literature in individuals affected with TSC2-related conditions. ClinVar contains an entry for this variant (Variation ID: 2626451). Invitae Evidence Modeling of protein sequence and biophysical properties (such as structural, functional, and spatial information, amino acid conservation, physicochemical variation, residue mobility, and thermodynamic stability) indicates that this missense variant is not expected to disrupt TSC2 protein function with a negative predictive value of 95%. In summary, the available evidence is currently insufficient to determine the role of this variant in disease. Therefore, it has been classified as a Variant of Uncertain Significance.

Ambry Genetics
Classification: Uncertain significance for Hereditary cancer-predisposing syndrome. Last evaluated: 2023-09-01. Review status: criteria provided, single submitter. Criteria: Ambry Variant Classification Scheme 2023. Collection method: clinical testing. Allele origin: germline.
Comment: The p.K657R variant (also known as c.1970A>G), located in coding exon 18 of the TSC2 gene, results from an A to G substitution at nucleotide position 1970. The lysine at codon 657 is replaced by arginine, an amino acid with highly similar properties. This amino acid position is conserved. In addition, the in silico prediction for this alteration is inconclusive. Since supporting evidence is limited at this time, the clinical significance of this alteration remains unclear.

NM_000548.5(TSC2):c.1970A>G (p.Lys657Arg)

Gene: TSC2 (TSC complex subunit 2; plus strand). Cytogenetic location: 16p13.3.
Variant type: single nucleotide variant.
Coding change: c.1970A>G on transcript NM_000548.5 (MANE Select); coding-DNA position 1970, A replaced by G.
Protein change: p.Lys657Arg; replaces lysine 657 with arginine.
Molecular consequence: missense variant. On other transcripts: non-coding transcript variant (5).
Genome position (GRCh38, 1-based): chr16:2,071,807, A>G. VCF-style: chr16-2071807-A-G. GRCh37 (hg19) VCF-style: chr16-2121808-A-G.
Other names: c.1970A>G, p.Lys657Arg (NM_001077183.3, NM_001114382.3, NM_001363528.2 and 6 more transcripts); c.1859A>G, p.Lys620Arg (NM_001318827.2, NM_001406670.1, NM_001406678.1); c.1823A>G, p.Lys608Arg (NM_001318829.2, NM_001406675.1, NM_001406676.1 and 1 more transcripts); c.1370A>G, p.Lys457Arg (NM_001318831.2, NM_001406686.1, NM_001406687.1 and 6 more transcripts); c.2003A>G, p.Lys668Arg (NM_001318832.2); c.2060A>G, p.Lys687Arg (NM_001406667.1, NM_001406668.1); c.1958A>G, p.Lys653Arg (NM_001406671.1, NM_001406673.1); c.626A>G, p.Lys209Arg (NM_001406689.1, NM_001406690.1, NM_001406691.1 and 6 more transcripts); and 3 more; short protein forms K620R, K638R, K653R, K687R, K209R, K503R, K668R, K123R.
Identifiers: ClinVar variation 2626451 (VCV002626451.4), dbSNP rs2151304339, ClinGen allele CA394274332.